The following is an entry in ClinVar:

NM_001032283.3(TMPO):c.565+1279G>A

Gene: TMPO (thymopoietin; plus strand). Cytogenetic location: 12q23.1.
Variant type: single nucleotide variant.
Coding change: c.565+1279G>A on transcript NM_001032283.3 (MANE Select); 1279 bases into the intron after coding-DNA position 565, G replaced by A.
Molecular consequence: intron variant. On other transcripts: missense variant (1).
Genome position (GRCh38, 1-based): chr12:98,533,117, G>A. VCF-style: chr12-98533117-G-A. GRCh37 (hg19) VCF-style: chr12-98926895-G-A.
Other names: c.860G>A, p.Cys287Tyr (NM_003276.2); c.565+1279G>A (NM_001307975.2, NM_001032284.3); short protein forms C287Y.
Identifiers: ClinVar variation 2731396 (VCV002731396.3), dbSNP rs751811256, ClinGen allele CA6732302.
Genomic context (GRCh38, chr12:98,533,117, plus strand): 5'-TGCAGAAGTTAGCCTCTGAAAGGAATTTGTTTATTTCATGCAAGTCTAGCCATGATAGGT[G>A]TTTAGAGAAAAGTTCTTCGTCATCTTCTCAGCCTGAACACAGTGCCATGTTGGTCTCTAC-3'

ClinVar aggregate classification (germline): Uncertain significance (1 of 4 stars; one submission).

Conditions:
Loeys-Dietz syndrome 2 (LDS2). Also called: TGFBR2-Related Loeys-Dietz Syndrome; Marfan syndrome, type 2 (formerly); AORTIC ANEURYSM, FAMILIAL THORACIC 3; MARFAN SYNDROME, TYPE II; Marfan Syndrome type 2; Marfan like connective tissue disorder. Identifiers: Orphanet 284973, Orphanet 558, MedGen C2674574, MONDO:0012427, OMIM 610168.

Allele frequency attached by ClinVar (database versions not stated): gnomAD exomes below 0.00001; TOPMed below 0.00001; ExAC 0.00001; gnomAD 0.00001.
gnomAD v4.1: 5 of 1,614,024 alleles (0.00031%); highest among the groups gnomAD compares: Middle Eastern, 0.016%; no homozygotes.

Submission:

Labcorp Genetics (formerly Invitae), Labcorp
Classification: Uncertain significance for Loeys-Dietz syndrome 2. Last evaluated: 2023-07-29. Review status: criteria provided, single submitter. Criteria: Invitae Variant Classification Sherloc (09022015). Collection method: clinical testing. Allele origin: germline.
Comment: This sequence change replaces cysteine, which is neutral and slightly polar, with tyrosine, which is neutral and polar, at codon 287 of the TMPO protein (p.Cys287Tyr). This variant is not present in population databases (gnomAD no frequency). This variant has not been reported in the literature in individuals affected with TMPO-related conditions. Advanced modeling of protein sequence and biophysical properties (such as structural, functional, and spatial information, amino acid conservation, physicochemical variation, residue mobility, and thermodynamic stability) performed at Invitae indicates that this missense variant is not expected to disrupt TMPO protein function. In summary, the available evidence is currently insufficient to determine the role of this variant in disease. Therefore, it has been classified as a Variant of Uncertain Significance.